The following is an entry in ClinVar:

NM_000540.3(RYR1):c.2214C>T (p.Ala738=)

Gene: RYR1 (ryanodine receptor 1; plus strand). Cytogenetic location: 19q13.2.
Variant type: single nucleotide variant.
Coding change: c.2214C>T on transcript NM_000540.3 (MANE Select); coding-DNA position 2214, C replaced by T.
Protein change: p.Ala738=; no amino-acid change (alanine 738 retained).
Molecular consequence: synonymous variant.
Genome position (GRCh38, 1-based): chr19:38,459,192, C>T. VCF-style: chr19-38459192-C-T. GRCh37 (hg19) VCF-style: chr19-38949832-C-T.
Other names: c.2214C>T, p.Ala738= (NM_001042723.2).
Identifiers: ClinVar variation 3075472 (VCV003075472.1), dbSNP rs772739422, ClinGen allele CA063019.

ClinVar aggregate classification (germline): Likely benign (1 of 4 stars; one submission).

Conditions:
Malignant hyperthermia, susceptibility to, 1 (MHS1). Also called: Anesthesia related hyperthermia; Malignant hyperpyrexia; Fulminating hyperpyrexia; Pharmacogenic myopathy; RYR1-Related Malignant Hyperthermia Susceptibility; Malignant hyperthermia suceptibility 1. Identifiers: Orphanet 423, MedGen C2930980, MONDO:0007783, OMIM 145600.

Allele frequency attached by ClinVar (database versions not stated): gnomAD exomes below 0.00001; ExAC 0.00001.
gnomAD v4.1: 3 of 1,614,094 alleles (0.00019%); highest among the groups gnomAD compares: South Asian, 0.0033%; no homozygotes.

Submission:

All of Us Research Program, National Institutes of Health
Classification: Likely benign for Malignant hyperthermia, susceptibility to, 1. Last evaluated: 2024-02-05. Review status: criteria provided, single submitter. Criteria: ACMG Guidelines, 2015. Collection method: clinical testing. Allele origin: germline. Inheritance: Autosomal dominant inheritance. Observed: 1 variant allele, 1 heterozygote.
Comment: This study involves interpretation of variants in research participants for the purpose of population health screening. Participant phenotype was not available at the time of variant classification. Additional details can be found in publication PMID: 35346344, PMCID: PMC8962531